The following is an entry in ClinVar:

NM_000138.5(FBN1):c.797T>C (p.Val266Ala)

Gene: FBN1 (fibrillin 1; minus strand). Cytogenetic location: 15q21.1.
Variant type: single nucleotide variant.
Coding change: c.797T>C on transcript NM_000138.5 (MANE Select); coding-DNA position 797, T replaced by C.
Protein change: p.Val266Ala; replaces valine 266 with alanine.
Molecular consequence: missense variant.
Genome position (GRCh38, 1-based): chr15:48,534,145, A>G on the plus strand (T>C on the coding strand, the complement: FBN1 is on the minus strand). VCF-style: chr15-48534145-A-G. GRCh37 (hg19) VCF-style: chr15-48826342-A-G.
Other names: c.797T>C, p.Val266Ala (NM_001406716.1, NM_001406717.1); short protein forms V266A.
Identifiers: ClinVar variation 3365054 (VCV003365054.1).

ClinVar aggregate classification (germline): Uncertain significance (1 of 4 stars; one submission).

gnomAD v4.1: 1 of 1,613,938 alleles (0.000062%); highest among the groups gnomAD compares: East Asian, 0.0022%; no homozygotes.

Submission:

GeneDx
Classification: Uncertain significance. Last evaluated: 2023-11-30. Review status: criteria provided, single submitter. Criteria: GeneDx Variant Classification Process June 2021. Collection method: clinical testing. Allele origin: germline. Affected: yes.
Comment: Has not been previously published as pathogenic or benign to our knowledge; Not observed at significant frequency in large population cohorts (gnomAD); Although located in a calcium-binding EGF-like domain of the FBN1 gene, it does not affect a cysteine residue within this domain; cysteine substitutions in the calcium-binding EGF-like domains represent the majority of pathogenic missense changes associated with FBN1-related disorders (PMID: 12938084); In silico analysis supports that this missense variant has a deleterious effect on protein structure/function; This variant is associated with the following publications: (PMID: 12938084)